The following is an entry in ClinVar:

ClinVar aggregate classification (germline): Benign (1 of 4 stars; one submission).

Allele frequency attached by ClinVar (database versions not stated): gnomAD 0.17993 and 0.18445; TOPMed 0.19019; 1000 Genomes Project 0.21386; 1000 Genomes Project 30x 0.22189.
gnomAD v4.1: 27,166 of 151,890 alleles (18%); highest among the groups gnomAD compares: African/African-American, 42%; 4,202 homozygotes.

Submission:

GeneDx
Classification: Benign. Last evaluated: 2018-06-16. Review status: criteria provided, single submitter. Criteria: GeneDx Variant Classification (06012015). Collection method: clinical testing. Allele origin: germline. Affected: yes.
Comment: This variant is considered likely benign or benign based on one or more of the following criteria: it is a conservative change, it occurs at a poorly conserved position in the protein, it is predicted to be benign by multiple in silico algorithms, and/or has population frequency not consistent with disease.

NM_032578.4(MYPN):c.1079-215G>T

Gene: MYPN (myopalladin; plus strand). Cytogenetic location: 10q21.3.
Variant type: single nucleotide variant.
Coding change: c.1079-215G>T on transcript NM_032578.4 (MANE Select); 215 bases into the intron before coding-DNA position 1079, G replaced by T.
Molecular consequence: intron variant.
Genome position (GRCh38, 1-based): chr10:68,145,260, G>T. VCF-style: chr10-68145260-G-T. GRCh37 (hg19) VCF-style: chr10-69905017-G-T.
Other names: c.1079-215G>T (NM_001256267.2); c.197-215G>T (NM_001256268.2).
Identifiers: ClinVar variation 672828 (VCV000672828.1), dbSNP rs2673800, ClinGen allele CA13322359.